The following is an entry in ClinVar:

NM_014714.4(IFT140):c.3644C>G (p.Ala1215Gly)

Gene: IFT140 (intraflagellar transport 140; minus strand). Cytogenetic location: 16p13.3.
Variant type: single nucleotide variant.
Coding change: c.3644C>G on transcript NM_014714.4 (MANE Select); coding-DNA position 3644, C replaced by G.
Protein change: p.Ala1215Gly; replaces alanine 1215 with glycine.
Molecular consequence: missense variant.
Genome position (GRCh38, 1-based): chr16:1,520,618, G>C on the plus strand (C>G on the coding strand, the complement: IFT140 is on the minus strand). VCF-style: chr16-1520618-G-C. GRCh37 (hg19) VCF-style: chr16-1570619-G-C.
Other names: short protein forms A1215G.
Identifiers: ClinVar variation 1055839 (VCV001055839.6), dbSNP rs139871912, ClinGen allele CA276675861.

ClinVar aggregate classification (germline): Uncertain significance (1 of 4 stars; one submission).

Conditions:
Saldino-Mainzer syndrome (SRTD9). Also called: CONORENAL SYNDROME; Renal dysplasia, retinal pigmentary dystrophy, cerebellar ataxia and skeletal dysplasia; short-rib thoracic dysplasia 9 with or without polydactyly; SHORT-RIB THORACIC DYSPLASIA 9 WITHOUT POLYDACTYLY. Identifiers: Orphanet 140969, MedGen C1849437, MONDO:0009964, OMIM 266920.

Allele frequency attached by ClinVar (database versions not stated): gnomAD exomes below 0.00001 and 0.00002; TOPMed below 0.00001; ESP Exome Variant Server 0.00008.
gnomAD v4.1: 22 of 1,588,866 alleles (0.0014%); highest among the groups gnomAD compares: Non-Finnish European, 0.0018%; no homozygotes.

Submission:

Labcorp Genetics (formerly Invitae), Labcorp
Classification: Uncertain significance for Saldino-Mainzer syndrome. Last evaluated: 2021-08-26. Review status: criteria provided, single submitter. Criteria: Invitae Variant Classification Sherloc (09022015). Collection method: clinical testing. Allele origin: germline.
Comment: This sequence change replaces alanine with glycine at codon 1215 of the IFT140 protein (p.Ala1215Gly). The alanine residue is moderately conserved and there is a small physicochemical difference between alanine and glycine. This variant is not present in population databases (ExAC no frequency). This variant has not been reported in the literature in individuals affected with IFT140-related conditions. Algorithms developed to predict the effect of missense changes on protein structure and function are either unavailable or do not agree on the potential impact of this missense change (SIFT: "Deleterious"; PolyPhen-2: "Probably Damaging"; Align-GVGD: "Class C0"). In summary, the available evidence is currently insufficient to determine the role of this variant in disease. Therefore, it has been classified as a Variant of Uncertain Significance.